The following is an entry in ClinVar:

ClinVar aggregate classification (germline): Benign (1 of 4 stars; one submission).

Conditions:
Loeys-Dietz syndrome 4 (LDS4). Also called: ANEURYSM, AORTIC AND CEREBRAL, WITH ARTERIAL TORTUOSITY AND SKELETAL MANIFESTATIONS; TGFB2-Related Loeys-Dietz Syndrome. Identifiers: MedGen C3553762, MONDO:0013897, OMIM 614816.

Allele frequency attached by ClinVar (database versions not stated): gnomAD 0.00018 and 0.00019; TOPMed 0.00018; 1000 Genomes Project 30x 0.00047; 1000 Genomes Project 0.00060.
gnomAD v4.1: 28 of 152,294 alleles (0.018%); highest among the groups gnomAD compares: Non-Finnish European, 0.034%; 1 homozygote.

Submission:

Illumina Laboratory Services, Illumina
Classification: Benign for Loeys-Dietz syndrome 4. Last evaluated: 2018-01-13. Review status: criteria provided, single submitter. Criteria: ICSL Variant Classification Criteria 13 December 2019. Collection method: clinical testing. Allele origin: germline.
Comment: This variant was observed in the ICSL laboratory as part of a predisposition screen in an ostensibly healthy population. It had not been previously curated by ICSL or reported in the Human Gene Mutation Database (HGMD: prior to June 1st, 2018), and was therefore a candidate for classification through an automated scoring system. Utilizing variant allele frequency, disease prevalence and penetrance estimates, and inheritance mode, an automated score was calculated to assess if this variant is too frequent to cause the disease. Based on the score and internal cut-off values, a variant classified as benign is not then subjected to further curation. The score for this variant resulted in a classification of benign for this disease.

NM_003238.6(TGFB2):c.*2108G>A

Genes: TGFB2 (transforming growth factor beta 2; plus strand), TGFB2-OT1 (TGFB2 overlapping transcript 1; plus strand). Cytogenetic location: 1q41.
Variant type: single nucleotide variant.
Coding change: c.*2108G>A on transcript NM_003238.6 (MANE Select); 2108 bases downstream of the stop codon, G replaced by A.
Molecular consequence: 3 prime UTR variant. On other transcripts: non-coding transcript variant (3).
Genome position (GRCh38, 1-based): chr1:218,443,470, G>A. VCF-style: chr1-218443470-G-A. GRCh37 (hg19) VCF-style: chr1-218616812-G-A.
Other names: c.*2108G>A (NM_001135599.4).
Identifiers: ClinVar variation 295526 (VCV000295526.5), dbSNP rs184256338, ClinGen allele CA10609960.
Genomic context (GRCh38, chr1:218,443,470, plus strand): 5'-TTTTGGAATTTCCTGACCATTAATTAAAGAATTGGATTTGCAAGTTTGAAAACTGGAAAA[G>A]CAAGAGATGGGATGCCATAATAGTAAACAGCCCTTGTGTTGGATGTAACCCAATCCCAGA-3'